The following is an entry in ClinVar:

ClinVar aggregate classification (germline): Uncertain significance (1 of 4 stars; one submission).

gnomAD v4.1: 1 of 1,614,168 alleles (0.000062%); highest among the groups gnomAD compares: Non-Finnish European, 0.000085%; no homozygotes.

Submission:

CeGaT Center for Human Genetics Tuebingen
Classification: Uncertain significance. Last evaluated: 2026-05-01. Review status: criteria provided, single submitter. Criteria: CeGaT Center For Human Genetics Tuebingen Variant Classification Criteria Version 2. Collection method: clinical testing. Allele origin: germline. Affected: yes. Observed: 1 variant allele.
Comment: CPLANE1: PM2, BP4

NM_001384732.1(CPLANE1):c.8194A>G (p.Lys2732Glu)

Gene: CPLANE1 (ciliogenesis and planar polarity effector complex subunit 1; minus strand). Cytogenetic location: 5p13.2.
Variant type: single nucleotide variant.
Coding change: c.8194A>G on transcript NM_001384732.1 (MANE Select); coding-DNA position 8194, A replaced by G.
Protein change: p.Lys2732Glu; replaces lysine 2732 with glutamic acid.
Molecular consequence: missense variant.
Genome position (GRCh38, 1-based): chr5:37,153,919, T>C on the plus strand (A>G on the coding strand, the complement: CPLANE1 is on the minus strand). VCF-style: chr5-37153919-T-C. GRCh37 (hg19) VCF-style: chr5-37154021-T-C.
Other names: c.8032A>G, p.Lys2678Glu (NM_023073.4); short protein forms K2678E, K2732E.
Identifiers: ClinVar variation 4875036 (VCV004875036.2).